The following is an entry in ClinVar:

NM_003072.5(SMARCA4):c.3961C>A (p.Leu1321Met)

Gene: SMARCA4 (SWI/SNF related BAF chromatin remodeling complex subunit ATPase 4; plus strand). Cytogenetic location: 19p13.2.
Variant type: single nucleotide variant.
Coding change: c.3961C>A on transcript NM_003072.5 (MANE Select); coding-DNA position 3961, C replaced by A.
Protein change: p.Leu1321Met; replaces leucine 1321 with methionine.
Molecular consequence: missense variant. On other transcripts: non-coding transcript variant (1).
Genome position (GRCh38, 1-based): chr19:11,034,923, C>A. VCF-style: chr19-11034923-C-A. GRCh37 (hg19) VCF-style: chr19-11145599-C-A.
Other names: c.3961C>A, p.Leu1321Met (NM_001128844.3, NM_001128849.3, NM_001387283.1); c.3862C>A, p.Leu1288Met (NM_001128845.2, NM_001128846.2, NM_001128847.4 and 3 more transcripts); short protein forms L1321M, L1288M.
Identifiers: ClinVar variation 1736525 (VCV001736525.7), dbSNP rs1195745951, ClinGen allele CA404068002.

ClinVar aggregate classification (germline): Uncertain significance. Review status: criteria provided, multiple submitters, no conflicts (2 of 4 stars). 2 submissions from 2 submitters: Uncertain significance (2). Last evaluated 2022-03-17.

Conditions:
Hereditary cancer-predisposing syndrome. Also called: Neoplastic Syndromes, Hereditary; Tumor predisposition; Hereditary Cancer Syndrome; Hereditary neoplastic syndrome. Identifiers: Orphanet 140162, MedGen C0027672, MeSH D009386, MONDO:0015356.
Rhabdoid tumor predisposition syndrome 2 (RTPS2). Identifiers: Orphanet 231108, Orphanet 69077, MedGen C2750074, MONDO:0013224, OMIM 613325.

Submissions (2):

Labcorp Genetics (formerly Invitae), Labcorp
Classification: Uncertain significance for Rhabdoid tumor predisposition syndrome 2. Last evaluated: 2022-03-17. Review status: criteria provided, single submitter. Criteria: Invitae Variant Classification Sherloc (09022015). Collection method: clinical testing. Allele origin: germline.
Comment: In summary, the available evidence is currently insufficient to determine the role of this variant in disease. Therefore, it has been classified as a Variant of Uncertain Significance. Algorithms developed to predict the effect of missense changes on protein structure and function are either unavailable or do not agree on the potential impact of this missense change (SIFT: "Deleterious"; PolyPhen-2: "Benign"; Align-GVGD: "Class C0"). This variant has not been reported in the literature in individuals affected with SMARCA4-related conditions. This variant is not present in population databases (gnomAD no frequency). This sequence change replaces leucine, which is neutral and non-polar, with methionine, which is neutral and non-polar, at codon 1321 of the SMARCA4 protein (p.Leu1321Met).

Ambry Genetics
Classification: Uncertain significance for Hereditary cancer-predisposing syndrome. Last evaluated: 2020-01-29. Review status: criteria provided, single submitter. Criteria: Ambry Variant Classification Scheme 2023. Collection method: clinical testing. Allele origin: germline.
Comment: The p.L1321M variant (also known as c.3961C>A), located in coding exon 28 of the SMARCA4 gene, results from a C to A substitution at nucleotide position 3961. The leucine at codon 1321 is replaced by methionine, an amino acid with highly similar properties. This amino acid position is well conserved in available vertebrate species. In addition, this alteration is predicted to be tolerated by in silico analysis. Since supporting evidence is limited at this time, the clinical significance of this alteration remains unclear.